The following is an entry in ClinVar:

ClinVar aggregate classification (germline): Uncertain significance. Review status: criteria provided, multiple submitters, no conflicts (2 of 4 stars). 2 submissions from 2 submitters: Uncertain significance (2). Last evaluated 2023-11-08.

Conditions:
Atrial fibrillation, familial, 7 (ATFB7). Identifiers: MedGen C2677106, MONDO:0012828, OMIM 612240.

Allele frequency attached by ClinVar (database versions not stated): gnomAD exomes 0.00001; ExAC 0.00002.
gnomAD v4.1: 10 of 1,614,188 alleles (0.00062%); highest among the groups gnomAD compares: South Asian, 0.011%; 1 homozygote.

Submissions (2):

GeneDx
Classification: Uncertain significance. Last evaluated: 2023-11-08. Review status: criteria provided, single submitter. Criteria: GeneDx Variant Classification Process June 2021. Collection method: clinical testing. Allele origin: germline. Affected: yes.
Comment: Not observed at significant frequency in large population cohorts (gnomAD); In silico analysis supports that this missense variant has a deleterious effect on protein structure/function; Has not been previously published as pathogenic or benign to our knowledge; This variant is associated with the following publications: (PMID: 23264583)

Victorian Clinical Genetics Services, Murdoch Childrens Research Institute
Classification: Uncertain significance for Atrial fibrillation, familial, 7. Last evaluated: 2022-09-02. Review status: criteria provided, single submitter. Criteria: ACMG Guidelines, 2015. Collection method: clinical testing. Allele origin: germline. Inheritance: Autosomal dominant inheritance. Affected: yes.
Comment: Based on the classification scheme VCGS_Germline_v1.3.4, this variant is classified as VUS-3B. Following criteria are met: 0103 - Loss of function and gain of function are reported mechanisms of disease in this gene and are associated with familial atrial fibrillation 7 (MIM#612240) (PMID: 23264583). However, the gene-disease association has not been established conclusively (PanelApp Aus). (I) 0107 - This gene is associated with autosomal dominant disease. However, the gene-disease association has not been established conclusively (PanelApp Aus). (I) 0200 - Variant is predicted to result in a missense amino acid change from aspartic acid to histidine. (I) 0251 - This variant is heterozygous. (I) 0302 - Variant is present in gnomAD (v2) <0.001 for a dominant condition (2 heterozygotes, 0 homozygotes). (SP) 0502 - Missense variant with conflicting in silico predictions and high conservation. (I) 0604 - Variant is not located in an established domain, motif, hotspot or informative constraint region. (I) 0705 - No comparable missense variants have previous evidence for pathogenicity. (I) 0807 - This variant has no previous evidence of pathogenicity. (I) 0905 - No published segregation evidence has been identified for this variant. (I) 1007 - No published functional evidence has been identified for this variant. (I) 1208 - Inheritance information for this variant is not currently available in this individual. (I) Legend: (SP) - Supporting pathogenic, (I) - Information, (SB) - Supporting benign

Literature cited by the submitters: PubMed 23264583 (cited by Victorian Clinical Genetics Services, Murdoch Childrens Research Institute).

NM_002234.4(KCNA5):c.646G>C (p.Asp216His)

Gene: KCNA5 (potassium voltage-gated channel subfamily A member 5; plus strand). Cytogenetic location: 12p13.32.
Variant type: single nucleotide variant.
Coding change: c.646G>C on transcript NM_002234.4 (MANE Select); coding-DNA position 646, G replaced by C.
Protein change: p.Asp216His; replaces aspartic acid 216 with histidine.
Molecular consequence: missense variant.
Genome position (GRCh38, 1-based): chr12:5,044,793, G>C. VCF-style: chr12-5044793-G-C. GRCh37 (hg19) VCF-style: chr12-5153959-G-C.
Other names: c.646G>C (NM_002234.2); short protein forms D216H.
Identifiers: ClinVar variation 1805956 (VCV001805956.2), dbSNP rs761101833, ClinGen allele CA6399686.